The following is an entry in ClinVar:

NM_019594.4(LRRC8A):c.138G>C (p.Gln46His)

Gene: LRRC8A (leucine rich repeat containing 8 VRAC subunit A; plus strand). Cytogenetic location: 9q34.11.
Variant type: single nucleotide variant.
Coding change: c.138G>C on transcript NM_019594.4 (MANE Select); coding-DNA position 138, G replaced by C.
Protein change: p.Gln46His; replaces glutamine 46 with histidine.
Molecular consequence: missense variant.
Genome position (GRCh38, 1-based): chr9:128,907,302, G>C. VCF-style: chr9-128907302-G-C. GRCh37 (hg19) VCF-style: chr9-131669581-G-C.
Other names: c.138G>C, p.Gln46His (NM_001127245.2, NM_001127244.2); short protein forms Q46H.
Identifiers: ClinVar variation 3647442 (VCV003647442.2).

ClinVar aggregate classification (germline): Uncertain significance (1 of 4 stars; one submission).

Submission:

Labcorp Genetics (formerly Invitae), Labcorp
Classification: Uncertain significance. Last evaluated: 2024-03-24. Review status: criteria provided, single submitter. Criteria: Invitae Variant Classification Sherloc (09022015). Collection method: clinical testing. Allele origin: germline.
Comment: This sequence change replaces glutamine, which is neutral and polar, with histidine, which is basic and polar, at codon 46 of the LRRC8A protein (p.Gln46His). This variant is not present in population databases (gnomAD no frequency). This variant has not been reported in the literature in individuals affected with LRRC8A-related conditions. An algorithm developed to predict the effect of missense changes on protein structure and function (PolyPhen-2) suggests that this variant is likely to be disruptive. In summary, the available evidence is currently insufficient to determine the role of this variant in disease. Therefore, it has been classified as a Variant of Uncertain Significance.